The following is an entry in ClinVar:

NM_031844.3(HNRNPU):c.1826A>G (p.Lys609Arg)

Gene: HNRNPU (heterogeneous nuclear ribonucleoprotein U; minus strand). Cytogenetic location: 1q44.
Variant type: single nucleotide variant.
Coding change: c.1826A>G on transcript NM_031844.3 (MANE Select); coding-DNA position 1826, A replaced by G.
Protein change: p.Lys609Arg; replaces lysine 609 with arginine.
Molecular consequence: missense variant.
Genome position (GRCh38, 1-based): chr1:244,856,543, T>C on the plus strand (A>G on the coding strand, the complement: HNRNPU is on the minus strand). VCF-style: chr1-244856543-T-C. GRCh37 (hg19) VCF-style: chr1-245019845-T-C.
Other names: c.1769A>G, p.Lys590Arg (NM_004501.3); short protein forms K609R, K590R.
Identifiers: ClinVar variation 1028417 (VCV001028417.7), dbSNP rs761602649, ClinGen allele CA1486373.

ClinVar aggregate classification (germline): Conflicting classifications of pathogenicity. Review status: criteria provided, conflicting classifications (1 of 4 stars). 3 submissions from 3 submitters: Uncertain significance (2); Likely benign (1). Last evaluated 2022-04-09.

Conditions:
Developmental and epileptic encephalopathy, 54. Also called: Epileptic encephalopathy, early infantile, 54; HNRNPU-Related Neurodevelopmental Disorder. Identifiers: MedGen C4479319, MONDO:0033363, OMIM 617391.
Inborn genetic diseases. Identifiers: MedGen C0950123, MeSH D030342.

Allele frequency attached by ClinVar (database versions not stated): gnomAD exomes below 0.00001 and 0.00001; ExAC 0.00001; gnomAD 0.00001; TOPMed 0.00002.
gnomAD v4.1: 2 of 1,614,046 alleles (0.00012%); highest among the groups gnomAD compares: African/African-American, 0.0027%; no homozygotes.

Submissions (3):

Labcorp Genetics (formerly Invitae), Labcorp
Classification: Uncertain significance for Developmental and epileptic encephalopathy, 54. Last evaluated: 2022-04-09. Review status: criteria provided, single submitter. Criteria: Invitae Variant Classification Sherloc (09022015). Collection method: clinical testing. Allele origin: germline.
Comment: This sequence change replaces lysine, which is basic and polar, with arginine, which is basic and polar, at codon 609 of the HNRNPU protein (p.Lys609Arg). This variant is present in population databases (rs761602649, gnomAD 0.01%). This variant has not been reported in the literature in individuals affected with HNRNPU-related conditions. ClinVar contains an entry for this variant (Variation ID: 1028417). Algorithms developed to predict the effect of missense changes on protein structure and function are either unavailable or do not agree on the potential impact of this missense change (SIFT: "Tolerated"; PolyPhen-2: "Not Available"; Align-GVGD: "Class C0"). In summary, the available evidence is currently insufficient to determine the role of this variant in disease. Therefore, it has been classified as a Variant of Uncertain Significance.

Baylor Genetics
Classification: Uncertain significance for Developmental and epileptic encephalopathy, 54. Last evaluated: 2019-03-28. Review status: criteria provided, single submitter. Criteria: ACMG Guidelines, 2015. Collection method: clinical testing. Allele origin: maternal. Affected: yes.
Comment: This variant was determined to be of uncertain significance according to ACMG Guidelines, 2015 [PMID:25741868].

Ambry Genetics
Classification: Likely benign for Inborn genetic diseases. Last evaluated: 2018-06-23. Review status: criteria provided, single submitter. Criteria: Ambry Variant Classification Scheme 2023. Collection method: clinical testing. Allele origin: germline.